The following is an entry in ClinVar:

NC_012920.1(MT-CO1):m.6721T>C

Gene: MT-CO1 (mitochondrially encoded cytochrome c oxidase I; plus strand).
Variant type: single nucleotide variant.
Genome position: chrM-6721-T-C.
Identifiers: ClinVar variation 9665 (VCV000009665.2), dbSNP rs199476127, ClinGen allele CA120610.

ClinVar aggregate classification (germline): Uncertain significance. Review status: reviewed by expert panel (3 of 4 stars). 2 submissions from 2 submitters: Uncertain significance (1). 1 of the submissions does not count toward it. Last evaluated 2024-03-11.

Conditions:
Mitochondrial disease. Also called: Mitochondrial disorder; Mitochondrial disorders. Identifiers: Orphanet 68380, MedGen C0751651, MeSH D028361, MONDO:0044970.
Myelodysplastic syndrome with ring sideroblasts. Also called: Acquired idiopathic sideroblastic anemia. Identifiers: Orphanet 75564, MedGen C4016601, MONDO:0019157.

Submissions (2):

ClinGen Mitochondrial Disease Nuclear and Mitochondrial  Variant Curation Expert Panel, ClinGen
Classification: Uncertain significance for Mitochondrial disease. Last evaluated: 2024-03-11. Review status: reviewed by expert panel. Criteria: clingen mito disease acmg specifications v1-1. Collection method: curation. Allele origin: germline. Inheritance: Mitochondrial inheritance.
Comment: There have not been additional affected individuals reported to date. This variant is absent in the GenBank dataset, Helix dataset, and gnomAD v3.1.2 (PM2_supporting). The computational predictor APOGEE gives a consensus rating of pathogenic with a score of 0.72 (Min=0, Max=1; APOGEE2 score is 0.834), which predicts a damaging effect on gene function (PP3). There are no cybrids, single fiber studies, or other functional assays reported on this variant. In summary, this variant meets criteria to be classified as uncertain significance for primary mitochondrial disease inherited in a mitochondrial manner. This classification was approved by the NICHD/NINDS U24 ClinGen Mitochondrial Disease Variant Curation Expert Panel on March 11, 2024. Mitochondrial DNA-specific ACMG/AMP criteria applied (PMID: 32906214): PP3, PM2_supporting, PM6_supporting.

OMIM
Classification: Pathogenic for SIDEROBLASTIC ANEMIA, ACQUIRED IDIOPATHIC. Last evaluated: 1997-12-15. Review status: no assertion criteria provided. Collection method: literature only. Allele origin: germline. Not counted in ClinVar's aggregate classification.

Literature cited by the submitters: PubMed 9389715 (cited by OMIM).